The following is an entry in ClinVar:

NM_001374736.1(DST):c.15136+19C>T

Gene: DST (dystonin; minus strand). Cytogenetic location: 6p12.1.
Variant type: single nucleotide variant.
Coding change: c.15136+19C>T on transcript NM_001374736.1 (MANE Select); 19 bases into the intron after coding-DNA position 15136, C replaced by T.
Molecular consequence: intron variant.
Genome position (GRCh38, 1-based): chr6:56,555,326, G>A on the plus strand (C>T on the coding strand, the complement: DST is on the minus strand). VCF-style: chr6-56555326-G-A. GRCh37 (hg19) VCF-style: chr6-56420124-G-A.
Other names: c.8779+19C>T (NM_001144769.5); c.15136+19C>T (NM_001374722.1); c.15163+19C>T (NM_001374734.1); c.8365+19C>T (NM_001144770.2); c.8245+19C>T (NM_001374730.1, NM_001386100.1, NM_183380.4); c.14503+19C>T (NM_001374729.1); c.7267+19C>T (NM_015548.5).
Identifiers: ClinVar variation 2162198 (VCV002162198.4), dbSNP rs2535386153, ClinGen allele CA2521600262.

ClinVar aggregate classification (germline): Uncertain significance (1 of 4 stars; one submission).

Conditions:
Epidermolysis bullosa simplex 3, localized or generalized intermediate, with BP230 deficiency (EBS3). Also called: Epidermolysis bullosa simplex, autosomal recessive 2; Epidermolysis bullosa simplex due to BP230 deficiency. Identifiers: Orphanet 412181, MedGen C3809470, MONDO:0014180, OMIM 615425.
Hereditary sensory and autonomic neuropathy type 6. Also called: Neuropathy, hereditary sensory and autonomic, type VI; HSAN VI. Identifiers: Orphanet 314381, MedGen C3539003, MONDO:0013839, OMIM 614653.

Allele frequency attached by ClinVar (database versions not stated): gnomAD exomes below 0.00001.
gnomAD v4.1: 4 of 1,544,970 alleles (0.00026%); highest among the groups gnomAD compares: Non-Finnish European, 0.00017%; no homozygotes.

Submission:

Labcorp Genetics (formerly Invitae), Labcorp
Classification: Uncertain significance for Epidermolysis bullosa simplex 3, localized or generalized intermediate, with BP230 deficiency; Hereditary sensory and autonomic neuropathy type 6. Last evaluated: 2022-05-04. Review status: criteria provided, single submitter. Criteria: Invitae Variant Classification Sherloc (09022015). Collection method: clinical testing. Allele origin: germline.
Comment: In summary, the available evidence is currently insufficient to determine the role of this variant in disease. Therefore, it has been classified as a Variant of Uncertain Significance. Experimental studies and prediction algorithms are not available or were not evaluated, and the effect of this variant on mRNA splicing is currently unknown. This variant has not been reported in the literature in individuals affected with DST-related conditions. This variant is not present in population databases (gnomAD no frequency). This sequence change falls in intron 41 of the DST gene. It does not directly change the encoded amino acid sequence of the DST protein. The DST gene has multiple clinically relevant transcripts. This variant occurs in alternate transcript NM_015548.4 and corresponds to NM_001723.5:c.*60191C>T in the primary transcript.